The following is an entry in ClinVar:

NM_000262.3(NAGA):c.279G>A (p.Pro93=)

Genes: NAGA (alpha-N-acetylgalactosaminidase; minus strand), LOC126863160 (CDK7 strongly-dependent group 2 enhancer GRCh37_chr22:42462918-42464117; plus strand). Cytogenetic location: 22q13.2.
Variant type: single nucleotide variant.
Coding change: c.279G>A on transcript NM_000262.3 (MANE Select); coding-DNA position 279, G replaced by A.
Protein change: p.Pro93=; no amino-acid change (proline 93 retained).
Molecular consequence: synonymous variant.
Genome position (GRCh38, 1-based): chr22:42,067,810, C>T on the plus strand (G>A on the coding strand, the complement: NAGA is on the minus strand). VCF-style: chr22-42067810-C-T. GRCh37 (hg19) VCF-style: chr22-42463814-C-T.
Other names: c.279G>A, p.Pro93= (NM_001362848.1, NM_001362850.1).
Identifiers: ClinVar variation 196242 (VCV000196242.24), dbSNP rs133369, ClinGen allele CA202236.

ClinVar aggregate classification (germline): Benign. Review status: criteria provided, multiple submitters, no conflicts (2 of 4 stars). 10 submissions from 8 submitters: Benign (9). 1 of the submissions does not count toward it. Last evaluated 2026-02-04.

Conditions:
Alpha-N-acetylgalactosaminidase deficiency type 1. Also called: SCHINDLER DISEASE, TYPE I; ALPHA-N-ACETYLGALACTOSAMINIDASE DEFICIENCY, TYPE I; NAGA DEFICIENCY, TYPE I; NEUROAXONAL DYSTROPHY, SCHINDLER TYPE. Identifiers: Orphanet 3137, Orphanet 79279, Orphanet 79281, MedGen C1836544, MONDO:0012221, OMIM 609241.
Alpha-N-acetylgalactosaminidase deficiency type 2. Also called: ALPHA-N-ACETYLGALACTOSAMINIDASE DEFICIENCY, TYPE II; NAGA DEFICIENCY, TYPE II; SCHINDLER DISEASE, TYPE II. Identifiers: Orphanet 3137, Orphanet 79280, MedGen C1836522, MONDO:0012222, OMIM 609242.

Allele frequency attached by ClinVar (database versions not stated): ESP Exome Variant Server 0.64255; gnomAD 0.64950 and 0.65024; TOPMed 0.65720; ExAC 0.67280; 1000 Genomes Project 30x 0.67349; gnomAD exomes 0.67557; 1000 Genomes Project 0.67692.
gnomAD v4.1: 1,082,316 of 1,611,948 alleles (67%); highest among the groups gnomAD compares: East Asian, 85%; 365,460 homozygotes.

Submissions (10):

Labcorp Genetics (formerly Invitae), Labcorp
Classification: Benign for Alpha-N-acetylgalactosaminidase deficiency type 1. Last evaluated: 2026-02-04. Review status: criteria provided, single submitter. Criteria: Invitae Variant Classification Sherloc (09022015). Collection method: clinical testing. Allele origin: germline.

Blueprint Genetics
Classification: Benign. Last evaluated: 2024-11-28. Review status: criteria provided, single submitter. Criteria: ACMG Guidelines, 2015. Collection method: clinical testing. Allele origin: germline.

Genome-Nilou Lab
Classification: Benign for Alpha-N-acetylgalactosaminidase deficiency type 2. Last evaluated: 2021-09-05. Review status: criteria provided, single submitter. Criteria: ACMG Guidelines, 2015. Collection method: clinical testing. Allele origin: germline. Affected: no.

Genome-Nilou Lab
Classification: Benign for Alpha-N-acetylgalactosaminidase deficiency type 1. Last evaluated: 2021-09-05. Review status: criteria provided, single submitter. Criteria: ACMG Guidelines, 2015. Collection method: clinical testing. Allele origin: germline. Affected: no.

GeneDx
Classification: Benign. Last evaluated: 2018-06-13. Review status: criteria provided, single submitter. Criteria: GeneDx Variant Classification (06012015). Collection method: clinical testing. Allele origin: germline. Affected: yes.
Comment: This variant is considered likely benign or benign based on one or more of the following criteria: it is a conservative change, it occurs at a poorly conserved position in the protein, it is predicted to be benign by multiple in silico algorithms, and/or has population frequency not consistent with disease.

Illumina Laboratory Services, Illumina
Classification: Benign for Alpha-N-acetylgalactosaminidase deficiency type 1. Last evaluated: 2018-01-12. Review status: criteria provided, single submitter. Criteria: ICSL Variant Classification Criteria 13 December 2019. Collection method: clinical testing. Allele origin: germline.
Comment: This variant was observed in the ICSL laboratory as part of a predisposition screen in an ostensibly healthy population. It had not been previously curated by ICSL or reported in the Human Gene Mutation Database (HGMD: prior to June 1st, 2018), and was therefore a candidate for classification through an automated scoring system. Utilizing variant allele frequency, disease prevalence and penetrance estimates, and inheritance mode, an automated score was calculated to assess if this variant is too frequent to cause the disease. Based on the score and internal cut-off values, a variant classified as benign is not then subjected to further curation. The score for this variant resulted in a classification of benign for this disease.

Illumina Laboratory Services, Illumina
Classification: Benign for Alpha-N-acetylgalactosaminidase deficiency type 2. Last evaluated: 2018-01-12. Review status: criteria provided, single submitter. Criteria: ICSL Variant Classification Criteria 13 December 2019. Collection method: clinical testing. Allele origin: germline.
Comment: the same text as in the submission from Illumina Laboratory Services, Illumina above.

Eurofins Ntd Llc (ga)
Classification: Benign. Last evaluated: 2015-01-27. Review status: criteria provided, single submitter. Criteria: EGL Classification Definitions 2015. Collection method: clinical testing. Allele origin: germline. Observed: 1 variant allele, 1 heterozygote.

Breakthrough Genomics
Classification: Benign. Review status: criteria provided, single submitter. Criteria: ACMG Guidelines, 2015. Collection method: not provided. Allele origin: germline. Inheritance: Autosomal recessive inheritance. Affected: yes.

Mayo Clinic Laboratories, Mayo Clinic
Classification: Benign. Last evaluated: 2015-10-20. Review status: no assertion criteria provided. Collection method: clinical testing. Allele origin: unknown. Not counted in ClinVar's aggregate classification.